The following is an entry in ClinVar:

ClinVar aggregate classification (germline): Uncertain significance (1 of 4 stars; one submission).

gnomAD v4.1: 5 of 1,614,032 alleles (0.00031%); highest among the groups gnomAD compares: East Asian, 0.0022%; no homozygotes.

Submission:

Labcorp Genetics (formerly Invitae), Labcorp
Classification: Uncertain significance. Last evaluated: 2024-09-17. Review status: criteria provided, single submitter. Criteria: Invitae Variant Classification Sherloc (09022015). Collection method: clinical testing. Allele origin: germline.
Comment: This sequence change falls in intron 4 of the FBXW4 gene. It does not directly change the encoded amino acid sequence of the FBXW4 protein. It affects a nucleotide within the consensus splice site. This variant is not present in population databases (gnomAD no frequency). This variant has not been reported in the literature in individuals affected with FBXW4-related conditions. Variants that disrupt the consensus splice site are a relatively common cause of aberrant splicing (PMID: 17576681, 9536098). Algorithms developed to predict the effect of sequence changes on RNA splicing suggest that this variant is not likely to affect RNA splicing. In summary, the available evidence is currently insufficient to determine the role of this variant in disease. Therefore, it has been classified as a Variant of Uncertain Significance.

Literature cited by the submitters: PubMed 17576681; PubMed 9536098.

NM_022039.4(FBXW4):c.1140+6G>A

Gene: FBXW4 (F-box and WD repeat domain containing 4; minus strand). Cytogenetic location: 10q24.32.
Variant type: single nucleotide variant.
Coding change: c.1140+6G>A on transcript NM_022039.4 (MANE Select); 6 bases into the intron after coding-DNA position 1140, G replaced by A.
Molecular consequence: intron variant.
Genome position (GRCh38, 1-based): chr10:101,672,909, C>T on the plus strand (G>A on the coding strand, the complement: FBXW4 is on the minus strand). VCF-style: chr10-101672909-C-T. GRCh37 (hg19) VCF-style: chr10-103432666-C-T.
Other names: c.414+6G>A (NM_001323541.2).
Identifiers: ClinVar variation 3697320 (VCV003697320.2).